The following is an entry in ClinVar:

ClinVar aggregate classification (germline): Pathogenic (1 of 4 stars; one submission).

Conditions:
Nemaline myopathy 2 (NEM2). Also called: Nemaline myopathy 2, autosomal recessive. Identifiers: MedGen C1850569, MONDO:0009725, OMIM 256030.

Submission:

Labcorp Genetics (formerly Invitae), Labcorp
Classification: Pathogenic for Nemaline myopathy 2. Last evaluated: 2023-05-12. Review status: criteria provided, single submitter. Criteria: Invitae Variant Classification Sherloc (09022015). Collection method: clinical testing. Allele origin: germline.
Comment: This variant is not present in population databases (gnomAD no frequency). This sequence change creates a premature translational stop signal (p.Ala5699Glnfs*9) in the NEB gene. It is expected to result in an absent or disrupted protein product. Loss-of-function variants in NEB are known to be pathogenic (PMID: 25205138). This variant has not been reported in the literature in individuals affected with NEB-related conditions. For these reasons, this variant has been classified as Pathogenic.

Literature cited by the submitters: PubMed 25205138.

NM_001164508.2(NEB):c.17091_17094dup (p.Ala5699fs)

Gene: NEB (nebulin; minus strand). Cytogenetic location: 2q23.3.
Variant type: Duplication.
Coding change: c.17091_17094dup on transcript NM_001164508.2 (MANE Select); coding-DNA positions 17091 to 17094, 4 bases duplicated (CAAG; older notation c.17091_17094dupCAAG).
Protein change: p.Ala5699fs; shifts the reading frame from alanine 5699.
Molecular consequence: frameshift variant.
Genome position (GRCh38, 1-based): chr2:151,570,521-151,570,524, CTTG duplicated on the plus strand (CAAG on the coding strand, the reverse complement: NEB is on the minus strand). VCF-style (leftmost placement, unchanged base first): chr2-151570520-C-CCTTG. GRCh37 (hg19) VCF-style: chr2-152427034-C-CCTTG.
Other names: c.17091_17094dup, p.Ala5699fs (NM_001164507.2, NM_001271208.2); c.11988_11991dup, p.Ala3998fs (NM_004543.5); short protein forms A5699fs, A3998fs.
Identifiers: ClinVar variation 2863784 (VCV002863784.3), dbSNP rs2552196144, ClinGen allele CA429242622.